The following is an entry in ClinVar:

ClinVar aggregate classification (germline): Uncertain significance (1 of 4 stars; one submission).

Allele frequency attached by ClinVar (database versions not stated): gnomAD exomes below 0.00001.
gnomAD v4.1: 1 of 1,614,156 alleles (0.000062%); highest among the groups gnomAD compares: Admixed American, 0.0017%; no homozygotes.

Submission:

Labcorp Genetics (formerly Invitae), Labcorp
Classification: Uncertain significance. Last evaluated: 2022-08-23. Review status: criteria provided, single submitter. Criteria: Invitae Variant Classification Sherloc (09022015). Collection method: clinical testing. Allele origin: germline.
Comment: This sequence change replaces alanine, which is neutral and non-polar, with serine, which is neutral and polar, at codon 847 of the ABCA4 protein (p.Ala847Ser). This variant is present in population databases (no rsID available, gnomAD 0.003%). This variant has not been reported in the literature in individuals affected with ABCA4-related conditions. ClinVar contains an entry for this variant (Variation ID: 1513361). Advanced modeling of protein sequence and biophysical properties (such as structural, functional, and spatial information, amino acid conservation, physicochemical variation, residue mobility, and thermodynamic stability) performed at Invitae indicates that this missense variant is not expected to disrupt ABCA4 protein function. In summary, the available evidence is currently insufficient to determine the role of this variant in disease. Therefore, it has been classified as a Variant of Uncertain Significance.

NM_000350.3(ABCA4):c.2539G>T (p.Ala847Ser)

Gene: ABCA4 (ATP binding cassette subfamily A member 4; minus strand). Cytogenetic location: 1p22.1.
Variant type: single nucleotide variant.
Coding change: c.2539G>T on transcript NM_000350.3 (MANE Select); coding-DNA position 2539, G replaced by T.
Protein change: p.Ala847Ser; replaces alanine 847 with serine.
Molecular consequence: missense variant.
Genome position (GRCh38, 1-based): chr1:94,055,159, C>A on the plus strand (G>T on the coding strand, the complement: ABCA4 is on the minus strand). VCF-style: chr1-94055159-C-A. GRCh37 (hg19) VCF-style: chr1-94520715-C-A.
Other names: c.2317G>T, p.Ala773Ser (NM_001425324.1); short protein forms A847S, A773S.
Identifiers: ClinVar variation 1513361 (VCV001513361.6), dbSNP rs1390658269, ClinGen allele CA341276865.